The following is an entry in ClinVar:

ClinVar aggregate classification (germline): Uncertain significance (1 of 4 stars; one submission).

Conditions:
Inborn genetic diseases. Identifiers: MedGen C0950123, MeSH D030342.

Allele frequency attached by ClinVar (database versions not stated): ExAC 0.00001; gnomAD exomes 0.00001.
gnomAD v4.1: 14 of 1,611,318 alleles (0.00087%); highest among the groups gnomAD compares: Non-Finnish European, 0.0011%; no homozygotes.

Submission:

Ambry Genetics
Classification: Uncertain significance for Inborn genetic diseases. Last evaluated: 2024-02-22. Review status: criteria provided, single submitter. Criteria: Ambry Variant Classification Scheme 2023. Collection method: clinical testing. Allele origin: germline.
Comment: The p.V1518A variant (also known as c.4553T>C), located in coding exon 32 of the LRRK2 gene, results from a T to C substitution at nucleotide position 4553. The valine at codon 1518 is replaced by alanine, an amino acid with similar properties. This amino acid position is conserved. In addition, the in silico prediction for this alteration is inconclusive. Since supporting evidence is limited at this time, the clinical significance of this alteration remains unclear.

NM_198578.4(LRRK2):c.4553T>C (p.Val1518Ala)

Gene: LRRK2 (leucine rich repeat kinase 2; plus strand). Cytogenetic location: 12q12.
Variant type: single nucleotide variant.
Coding change: c.4553T>C on transcript NM_198578.4 (MANE Select); coding-DNA position 4553, T replaced by C.
Protein change: p.Val1518Ala; replaces valine 1518 with alanine.
Molecular consequence: missense variant.
Genome position (GRCh38, 1-based): chr12:40,313,988, T>C. VCF-style: chr12-40313988-T-C. GRCh37 (hg19) VCF-style: chr12-40707790-T-C.
Other names: short protein forms V1518A.
Identifiers: ClinVar variation 1741452 (VCV001741452.2), dbSNP rs747106965, ClinGen allele CA6514217.